The following is an entry in ClinVar:

NM_182914.3(SYNE2):c.17892C>T (p.Asn5964=)

Gene: SYNE2 (spectrin repeat containing nuclear envelope protein 2; plus strand). Cytogenetic location: 14q23.2.
Variant type: single nucleotide variant.
Coding change: c.17892C>T on transcript NM_182914.3 (MANE Select); coding-DNA position 17892, C replaced by T.
Protein change: p.Asn5964=; no amino-acid change (asparagine 5964 retained).
Molecular consequence: synonymous variant.
Genome position (GRCh38, 1-based): chr14:64,190,091, C>T. VCF-style: chr14-64190091-C-T. GRCh37 (hg19) VCF-style: chr14-64656809-C-T.
Other names: c.17892C>T, p.Asn5964= (NM_015180.6).
Identifiers: ClinVar variation 313634 (VCV000313634.12), dbSNP rs201827003, ClinGen allele CA7223874.
Genomic context (GRCh38, chr14:64,190,091, plus strand): 5'-GGCTAATTAGCCAGGCTTTATGTTTTGGTGCCTTTGCCAGGACTGCATGGAAGAAATAAA[C>T]TTGTTTAGTGAAAACAAGTTACAGTTAAAGCAGATGGGTGACCAGTTGATCAAGGCCAGC-3'
Protein context (NP_878918.2, residues 5954-5974): KLQKDCMEEI[Asn5964=]LFSENKLQLK

ClinVar aggregate classification (germline): Benign. Review status: criteria provided, multiple submitters, no conflicts (2 of 4 stars). 2 submissions from 2 submitters: Benign (2). Last evaluated 2025-09-10.

Conditions:
Emery-Dreifuss muscular dystrophy 5, autosomal dominant (EDMD5). Also called: EMERY-DREIFUSS MUSCULAR DYSTROPHY 5. Identifiers: Orphanet 261, MedGen C2751805, MONDO:0013072, OMIM 612999.

Allele frequency attached by ClinVar (database versions not stated): gnomAD exomes 0.00003 and 0.00019; gnomAD 0.00004 and 0.00007; TOPMed 0.00008; ExAC 0.00015; 1000 Genomes Project 0.00060; 1000 Genomes Project 30x 0.00078.
gnomAD v4.1: 58 of 1,613,384 alleles (0.0036%); highest among the groups gnomAD compares: East Asian, 0.11%; no homozygotes.

Submissions (2):

Labcorp Genetics (formerly Invitae), Labcorp
Classification: Benign for Emery-Dreifuss muscular dystrophy 5, autosomal dominant. Last evaluated: 2025-09-10. Review status: criteria provided, single submitter. Criteria: Invitae Variant Classification Sherloc (09022015). Collection method: clinical testing. Allele origin: germline.

Illumina Laboratory Services, Illumina
Classification: Benign for Emery-Dreifuss muscular dystrophy 5, autosomal dominant. Last evaluated: 2018-01-12. Review status: criteria provided, single submitter. Criteria: ICSL Variant Classification Criteria 13 December 2019. Collection method: clinical testing. Allele origin: germline.
Comment: This variant was observed in the ICSL laboratory as part of a predisposition screen in an ostensibly healthy population. It had not been previously curated by ICSL or reported in the Human Gene Mutation Database (HGMD: prior to June 1st, 2018), and was therefore a candidate for classification through an automated scoring system. Utilizing variant allele frequency, disease prevalence and penetrance estimates, and inheritance mode, an automated score was calculated to assess if this variant is too frequent to cause the disease. Based on the score and internal cut-off values, a variant classified as benign is not then subjected to further curation. The score for this variant resulted in a classification of benign for this disease.